The following is an entry in ClinVar:

ClinVar aggregate classification (germline): Uncertain significance. Review status: criteria provided, multiple submitters, no conflicts (2 of 4 stars). 3 submissions from 3 submitters: Uncertain significance (3). Last evaluated 2025-10-14.

Conditions:
Hereditary cancer-predisposing syndrome. Also called: Tumor predisposition; Hereditary Cancer Syndrome; Hereditary neoplastic syndrome; Neoplastic Syndromes, Hereditary. Identifiers: Orphanet 140162, MedGen C0027672, MeSH D009386, MONDO:0015356.
Lynch syndrome. Identifiers: Orphanet 144, MedGen C4552100, MONDO:0005835. Disease mechanism: loss of function.
Hereditary nonpolyposis colorectal neoplasms. Identifiers: MedGen C0009405, MeSH D003123.

Allele frequency attached by ClinVar (database versions not stated): gnomAD exomes below 0.00001.

Submissions (3):

Ambry Genetics
Classification: Uncertain significance for Hereditary cancer-predisposing syndrome. Last evaluated: 2025-10-14. Review status: criteria provided, single submitter. Criteria: Ambry Variant Classification Scheme 2023. Collection method: clinical testing. Allele origin: germline.
Comment: The p.L473V variant (also known as c.1417C>G), located in coding exon 4 of the MSH6 gene, results from a C to G substitution at nucleotide position 1417. The leucine at codon 473 is replaced by valine, an amino acid with highly similar properties. This amino acid position is highly conserved in available vertebrate species. In addition, this alteration is predicted to be deleterious by in silico analysis. Since supporting evidence is limited at this time, the clinical significance of this alteration remains unclear.

Labcorp Genetics (formerly Invitae), Labcorp
Classification: Uncertain significance for Hereditary nonpolyposis colorectal neoplasms. Last evaluated: 2025-03-16. Review status: criteria provided, single submitter. Criteria: Invitae Variant Classification Sherloc (09022015). Collection method: clinical testing. Allele origin: germline.
Comment: This sequence change replaces leucine, which is neutral and non-polar, with valine, which is neutral and non-polar, at codon 473 of the MSH6 protein (p.Leu473Val). This variant is not present in population databases (gnomAD no frequency). This variant has not been reported in the literature in individuals affected with MSH6-related conditions. ClinVar contains an entry for this variant (Variation ID: 410484). Invitae Evidence Modeling of protein sequence and biophysical properties (such as structural, functional, and spatial information, amino acid conservation, physicochemical variation, residue mobility, and thermodynamic stability) has been performed for this missense variant. However, the output from this modeling did not meet the statistical confidence thresholds required to predict the impact of this variant on MSH6 protein function. In summary, the available evidence is currently insufficient to determine the role of this variant in disease. Therefore, it has been classified as a Variant of Uncertain Significance.

All of Us Research Program, National Institutes of Health
Classification: Uncertain significance for Lynch syndrome. Last evaluated: 2024-02-22. Review status: criteria provided, single submitter. Criteria: ACMG Guidelines, 2015. Collection method: clinical testing. Allele origin: germline. Inheritance: Autosomal dominant inheritance. Observed: 1 variant allele, 1 heterozygote.
Comment: This missense variant replaces leucine with valine at codon 473 of the MSH6 protein. Computational prediction suggests that this variant may have deleterious impact on protein structure and function (internally defined REVEL score threshold >= 0.7, PMID: 27666373). To our knowledge, functional studies have not been reported for this variant. This variant has not been reported in individuals affected with MSH6-related disorders in the literature. This variant has not been identified in the general population by the Genome Aggregation Database (gnomAD). The available evidence is insufficient to determine the role of this variant in disease conclusively. Therefore, this variant is classified as a Variant of Uncertain Significance.

This study involves interpretation of variants in research participants for the purpose of population health screening. Participant phenotype was not available at the time of variant classification. Additional details can be found in publication PMID: 35346344, PMCID: PMC8962531

NM_000179.3(MSH6):c.1417C>G (p.Leu473Val)

Gene: MSH6 (mutS homolog 6; plus strand). Cytogenetic location: 2p16.3.
Variant type: single nucleotide variant.
Coding change: c.1417C>G on transcript NM_000179.3 (MANE Select); coding-DNA position 1417, C replaced by G.
Protein change: p.Leu473Val; replaces leucine 473 with valine.
Molecular consequence: missense variant.
Genome position (GRCh38, 1-based): chr2:47,799,400, C>G. VCF-style: chr2-47799400-C-G. GRCh37 (hg19) VCF-style: chr2-48026539-C-G.
Other names: c.1027C>G, p.Leu343Val (NM_001281492.2); c.511C>G, p.Leu171Val (NM_001281493.2, NM_001281494.2); short protein forms L473V, L343V, L171V.
Identifiers: ClinVar variation 410484 (VCV000410484.16), dbSNP rs1060502924, ClinGen allele CA16610958.